The following is an entry in ClinVar:

NM_178138.6(LHX3):c.963dup (p.Ala322fs)

Gene: LHX3 (LIM homeobox 3; minus strand). Cytogenetic location: 9q34.3.
Variant type: Duplication.
Coding change: c.963dup on transcript NM_178138.6 (MANE Select); coding-DNA position 963, one base duplicated (C; older notation c.963dupC).
Protein change: p.Ala322fs; shifts the reading frame from alanine 322.
Molecular consequence: frameshift variant.
Genome position (GRCh38, 1-based): chr9:136,197,556, G duplicated on the plus strand (C on the coding strand, the reverse complement: LHX3 is on the minus strand); the first of 5 consecutive G bases (chr9:136,197,556-136,197,560); duplicating any one gives the same sequence. VCF-style (leftmost placement, unchanged base first): chr9-136197555-C-CG. GRCh37 (hg19) VCF-style: chr9-139089401-C-CG.
Other names: c.930dup, p.Ala311fs (NM_001363746.1); c.978dup, p.Ala327fs (NM_014564.5); c.978dupC (NM_014564.4); short protein forms A327fs, A311fs, A322fs.
Identifiers: ClinVar variation 3596759 (VCV003596759.2).
Genomic context (GRCh38, chr9:136,197,555, plus strand): 5'-TGTCTGGGTACACCAGGCTGGAGAGGAGGGGCTGGGGGCCAGGGAGGCTCTGCGGGGCGG[C>CG]GGGGGATGGGGGGACACCGTAGGGGCTGCCGGGACGCAGCTCTCGGTACTGCTCTGGGCC-3'

ClinVar aggregate classification (germline): Likely pathogenic. Review status: criteria provided, multiple submitters, no conflicts (2 of 4 stars). 2 submissions from 2 submitters: Likely pathogenic (2). Last evaluated 2024-07-26.

Conditions:
Non-acquired combined pituitary hormone deficiency with spine abnormalities (CPHD3). Also called: Winkelman Bethge Pfeiffer syndrome; WBP syndrome; Combined pituitary hormone deficiency type 3. Identifiers: Orphanet 231720, MedGen C3489787, MONDO:0009091, OMIM 221750.

Submissions (2):

Natera, Inc.
Classification: Likely pathogenic for Combined pituitary hormone deficiency type 3. Last evaluated: 2024-07-26. Review status: criteria provided, single submitter. Criteria: Natera Variant Classification Schema (03/2026). Collection method: clinical testing. Allele origin: germline.
Comment: The c.978dupC variant in LHX3 is a frameshift variant predicted to shift the reading frame beginning at codon 327 and leads to a stop codon 48 codons downstream. This variant is expected to result in nonsense mediated decay, truncation, or a dysfunctional protein product. This variant is rare in the general population with a frequency below the threshold expected for the associated phenotype(s). Given the available evidence, this variant is classified as Likely Pathogenic.

Fulgent Genetics
Classification: Likely pathogenic for Non-acquired combined pituitary hormone deficiency with spine abnormalities. Last evaluated: 2024-03-11. Review status: criteria provided, single submitter. Criteria: ACMG Guidelines, 2015. Collection method: clinical testing. Allele origin: germline.